The following is an entry in ClinVar:

NM_000257.4(MYH7):c.944A>G (p.Gln315Arg)

Gene: MYH7 (myosin heavy chain 7; minus strand). Cytogenetic location: 14q11.2.
Variant type: single nucleotide variant.
Coding change: c.944A>G on transcript NM_000257.4 (MANE Select); coding-DNA position 944, A replaced by G.
Protein change: p.Gln315Arg; replaces glutamine 315 with arginine.
Molecular consequence: missense variant.
Genome position (GRCh38, 1-based): chr14:23,430,615, T>C on the plus strand (A>G on the coding strand, the complement: MYH7 is on the minus strand). VCF-style: chr14-23430615-T-C. GRCh37 (hg19) VCF-style: chr14-23899824-T-C.
Other names: short protein forms Q315R.
Identifiers: ClinVar variation 920026 (VCV000920026.4), dbSNP rs1892890666, ClinGen allele CA389051698.

ClinVar aggregate classification (germline): Uncertain significance (1 of 4 stars; one submission).

Conditions:
Cardiomyopathy (CMYO). Also called: Cardiomyopathies. Identifiers: Orphanet 167848, MedGen C0878544, MONDO:0004994, HP:0001638. Inheritance: Various modes of inheritance.

Allele frequency attached by ClinVar (database versions not stated): gnomAD exomes below 0.00001.
gnomAD v4.1: 2 of 1,614,062 alleles (0.00012%); highest among the groups gnomAD compares: Non-Finnish European, 0.00017%; no homozygotes.

Submission:

Color Diagnostics, LLC DBA Color Health
Classification: Uncertain significance for Cardiomyopathy. Last evaluated: 2025-07-01. Review status: criteria provided, single submitter. Criteria: ACMG Guidelines, 2015. Collection method: clinical testing. Allele origin: germline.
Comment: This missense variant replaces glutamine with arginine at codon 315 of the MYH7 protein. Computational prediction suggests that this variant may have deleterious impact on protein structure and function. To our knowledge, functional studies have not been reported for this variant. This variant has been reported in an individual affected with left ventricular noncompaction (PMID: 28855170, 32600061) and in an individual affected with noncompaction cardiomyopathy (PMID: 31771441). This variant has not been identified in the general population by the Genome Aggregation Database (gnomAD). The available evidence is insufficient to determine the role of this variant in disease conclusively. Therefore, this variant is classified as a Variant of Uncertain Significance.

Literature cited by the submitters: PubMed 28855170; PubMed 31771441; PubMed 32600061.